The following is an entry in ClinVar:

ClinVar aggregate classification (germline): Pathogenic (1 of 4 stars; one submission).

Conditions:
Nemaline myopathy 10 (NEM10). Identifiers: MedGen C4015360, MONDO:0014513, OMIM 616165.

Submission:

Labcorp Genetics (formerly Invitae), Labcorp
Classification: Pathogenic for Nemaline myopathy 10. Last evaluated: 2019-07-03. Review status: criteria provided, single submitter. Criteria: Invitae Variant Classification Sherloc (09022015). Collection method: clinical testing. Allele origin: germline.
Comment: This sequence change creates a premature translational stop signal (p.Glu34Aspfs*19) in the LMOD3 gene. It is expected to result in an absent or disrupted protein product. This variant is not present in population databases (ExAC no frequency). This variant has not been reported in the literature in individuals with LMOD3-related conditions. Loss-of-function variants in LMOD3 are known to be pathogenic (PMID: 25250574). For these reasons, this variant has been classified as Pathogenic.

NM_198271.5(LMOD3):c.102del (p.Glu34fs)

Genes: LMOD3 (leiomodin 3; minus strand), LOC126806710 (CDK7 strongly-dependent group 2 enhancer GRCh37_chr3:69170601-69171800; plus strand). Cytogenetic location: 3p14.1.
Variant type: Deletion.
Coding change: c.102del on transcript NM_198271.5 (MANE Select); coding-DNA position 102, one base deleted (A; older notation c.102delA).
Protein change: p.Glu34fs; shifts the reading frame from glutamic acid 34.
Molecular consequence: frameshift variant.
Genome position (GRCh38, 1-based): chr3:69,122,285, T deleted on the plus strand (A on the coding strand, the reverse complement: LMOD3 is on the minus strand); the first of 2 consecutive T bases (chr3:69,122,285-69,122,286); deleting either gives the same sequence. VCF-style (leftmost placement, unchanged base first): chr3-69122284-GT-G. GRCh37 (hg19) VCF-style: chr3-69171435-GT-G.
Other names: c.102del, p.Glu34fs (NM_001304418.3); short protein forms E34fs.
Identifiers: ClinVar variation 942494 (VCV000942494.1), dbSNP rs2092412254, ClinGen allele CA1139658150.